The following is an entry in ClinVar:

ClinVar aggregate classification (germline): Uncertain significance (1 of 4 stars; one submission).

Submission:

Labcorp Genetics (formerly Invitae), Labcorp
Classification: Uncertain significance. Last evaluated: 2023-12-30. Review status: criteria provided, single submitter. Criteria: Invitae Variant Classification Sherloc (09022015). Collection method: clinical testing. Allele origin: germline.
Comment: This sequence change falls in intron 12 of the SLC9A7 gene. It does not directly change the encoded amino acid sequence of the SLC9A7 protein. It affects a nucleotide within the consensus splice site. This variant is not present in population databases (gnomAD no frequency). This variant has not been reported in the literature in individuals affected with SLC9A7-related conditions. Variants that disrupt the consensus splice site are a relatively common cause of aberrant splicing (PMID: 17576681, 9536098). Algorithms developed to predict the effect of sequence changes on RNA splicing suggest that this variant is not likely to affect RNA splicing. In summary, the available evidence is currently insufficient to determine the role of this variant in disease. Therefore, it has been classified as a Variant of Uncertain Significance.

Literature cited by the submitters: PubMed 17576681; PubMed 9536098.

NM_001257291.2(SLC9A7):c.1617-3C>T

Gene: SLC9A7 (solute carrier family 9 member A7; minus strand). Cytogenetic location: Xp11.3.
Variant type: single nucleotide variant.
Coding change: c.1617-3C>T on transcript NM_001257291.2 (MANE Select); 3 bases into the intron before coding-DNA position 1617, C replaced by T.
Molecular consequence: intron variant.
Genome position (GRCh38, 1-based): chrX:46,635,651, G>A on the plus strand (C>T on the coding strand, the complement: SLC9A7 is on the minus strand). VCF-style: chrX-46635651-G-A. GRCh37 (hg19) VCF-style: chrX-46495086-G-A.
Other names: c.1614-3C>T (NM_032591.3).
Identifiers: ClinVar variation 3001760 (VCV003001760.3), dbSNP rs2519428340, ClinGen allele CA2740092118.